The following is an entry in ClinVar:

NM_001377229.1(DISP1):c.4331C>G (p.Ser1444Ter)

Gene: DISP1 (dispatched RND transporter family member 1; plus strand). Cytogenetic location: 1q41.
Variant type: single nucleotide variant.
Coding change: c.4331C>G on transcript NM_001377229.1 (MANE Select); coding-DNA position 4331, C replaced by G.
Protein change: p.Ser1444Ter; replaces serine 1444 with a stop codon.
Molecular consequence: nonsense.
Genome position (GRCh38, 1-based): chr1:223,005,728, C>G. VCF-style: chr1-223005728-C-G. GRCh37 (hg19) VCF-style: chr1-223179070-C-G.
Other names: c.3602C>G, p.Ser1201Ter (NM_001350630.2); c.4331C>G, p.Ser1444Ter (NM_001369594.1, NM_001377228.1, NM_032890.5); short protein forms S1201*, S1444*.
Identifiers: ClinVar variation 2045582 (VCV002045582.4), dbSNP rs2528333644, ClinGen allele CA344694356.

ClinVar aggregate classification (germline): Uncertain significance (1 of 4 stars; one submission).

Submission:

Labcorp Genetics (formerly Invitae), Labcorp
Classification: Uncertain significance. Last evaluated: 2022-05-25. Review status: criteria provided, single submitter. Criteria: Invitae Variant Classification Sherloc (09022015). Collection method: clinical testing. Allele origin: germline.
Comment: This sequence change creates a premature translational stop signal (p.Ser1444*) in the DISP1 gene. While this is not anticipated to result in nonsense mediated decay, it is expected to disrupt the last 81 amino acid(s) of the DISP1 protein. This variant is not present in population databases (gnomAD no frequency). This variant has not been reported in the literature in individuals affected with DISP1-related conditions. In summary, the available evidence is currently insufficient to determine the role of this variant in disease. Therefore, it has been classified as a Variant of Uncertain Significance.